The following is an entry in ClinVar:

NM_003673.4(TCAP):c.194C>T (p.Pro65Leu)

Gene: TCAP (titin-cap; plus strand). Cytogenetic location: 17q12.
Variant type: single nucleotide variant.
Coding change: c.194C>T on transcript NM_003673.4 (MANE Select); coding-DNA position 194, C replaced by T.
Protein change: p.Pro65Leu; replaces proline 65 with leucine.
Molecular consequence: missense variant.
Genome position (GRCh38, 1-based): chr17:39,665,799, C>T. VCF-style: chr17-39665799-C-T. GRCh37 (hg19) VCF-style: chr17-37822052-C-T.
Other names: short protein forms P65L.
Identifiers: ClinVar variation 1023093 (VCV001023093.12), dbSNP rs2057250642, ClinGen allele CA399304044.

ClinVar aggregate classification (germline): Uncertain significance. Review status: criteria provided, multiple submitters, no conflicts (2 of 4 stars). 4 submissions from 4 submitters: Uncertain significance (4). Last evaluated 2025-10-02.

Conditions:
Primary familial hypertrophic cardiomyopathy (HCM). Identifiers: Orphanet 99739, MedGen C0949658, MeSH D024741, MONDO:0024573. Inheritance: Various modes of inheritance.
Hypertrophic cardiomyopathy 25 (CMH25). Also called: CARDIOMYOPATHY, FAMILIAL HYPERTROPHIC, 25. Identifiers: MedGen C4225408, MONDO:0011843, OMIM 607487.
TCAP-related disorder. Also called: TCAP-related condition.
Cardiovascular phenotype. Identifiers: MedGen CN230736.
Autosomal recessive limb-girdle muscular dystrophy type 2G (LGMDR7). Also called: Telethoninopathy; MUSCULAR DYSTROPHY, LIMB-GIRDLE, AUTOSOMAL RECESSIVE 7; Limb-girdle muscular dystrophy, type 2G. Identifiers: Orphanet 34514, MedGen C1866008, MONDO:0011170, OMIM 601954.

Allele frequency attached by ClinVar (database versions not stated): gnomAD exomes below 0.00001; gnomAD 0.00001; TOPMed 0.00001.
gnomAD v4.1: 2 of 1,607,898 alleles (0.00012%); highest among the groups gnomAD compares: Non-Finnish European, 0.00017%; no homozygotes.

Submissions (4):

PreventionGenetics, part of Exact Sciences
Classification: Uncertain significance for TCAP-related condition. Last evaluated: 2025-10-02. Review status: criteria provided, single submitter. Criteria: ACMG Guidelines, 2015. Collection method: clinical testing. Allele origin: germline.
Comment: The TCAP c.194C>T variant is predicted to result in the amino acid substitution p.Pro65Leu. To our knowledge, this variant has not been reported in the literature or in a large population database (gnomAD), indicating this variant is rare. At this time, the clinical significance of this variant is uncertain due to the absence of conclusive functional and genetic evidence.

Labcorp Genetics (formerly Invitae), Labcorp
Classification: Uncertain significance for Hypertrophic cardiomyopathy 25; Primary familial hypertrophic cardiomyopathy. Last evaluated: 2024-09-03. Review status: criteria provided, single submitter. Criteria: Invitae Variant Classification Sherloc (09022015). Collection method: clinical testing. Allele origin: germline.
Comment: This sequence change replaces proline, which is neutral and non-polar, with leucine, which is neutral and non-polar, at codon 65 of the TCAP protein (p.Pro65Leu). This variant is not present in population databases (gnomAD no frequency). This variant has not been reported in the literature in individuals affected with TCAP-related conditions. ClinVar contains an entry for this variant (Variation ID: 1023093). An algorithm developed to predict the effect of missense changes on protein structure and function (PolyPhen-2) suggests that this variant is likely to be disruptive. In summary, the available evidence is currently insufficient to determine the role of this variant in disease. Therefore, it has been classified as a Variant of Uncertain Significance.

Ambry Genetics
Classification: Uncertain significance for Cardiovascular phenotype. Last evaluated: 2024-07-09. Review status: criteria provided, single submitter. Criteria: Ambry Variant Classification Scheme 2023. Collection method: clinical testing. Allele origin: germline.

Fulgent Genetics
Classification: Uncertain significance for Autosomal recessive limb-girdle muscular dystrophy type 2G; Hypertrophic cardiomyopathy 25. Last evaluated: 2021-09-13. Review status: criteria provided, single submitter. Criteria: ACMG Guidelines, 2015. Collection method: clinical testing. Allele origin: unknown.